The following is an entry in ClinVar:

ClinVar aggregate classification (germline): Uncertain significance. Review status: criteria provided, multiple submitters, no conflicts (2 of 4 stars). 2 submissions from 2 submitters: Uncertain significance (2). Last evaluated 2025-06-29.

Conditions:
Hypertrophic cardiomyopathy. Also called: HYPERTROPHIC MYOCARDIOPATHY. Identifiers: Orphanet 217569, MedGen C0007194, MeSH D002312, MONDO:0005045, HP:0001639.
Cardiomyopathy (CMYO). Also called: Cardiomyopathies. Identifiers: Orphanet 167848, MedGen C0878544, MONDO:0004994, HP:0001638. Inheritance: Various modes of inheritance.

Allele frequency attached by ClinVar (database versions not stated): gnomAD exomes below 0.00001.
gnomAD v4.1: 1 of 1,614,130 alleles (0.000062%); highest among the groups gnomAD compares: Non-Finnish European, 0.000085%; no homozygotes.

Submissions (2):

Labcorp Genetics (formerly Invitae), Labcorp
Classification: Uncertain significance for Hypertrophic cardiomyopathy. Last evaluated: 2025-06-29. Review status: criteria provided, single submitter. Criteria: Invitae Variant Classification Sherloc (09022015). Collection method: clinical testing. Allele origin: germline.
Comment: This sequence change replaces lysine, which is basic and polar, with arginine, which is basic and polar, at codon 193 of the TNNI3 protein (p.Lys193Arg). This variant is not present in population databases (gnomAD no frequency). This variant has not been reported in the literature in individuals affected with TNNI3-related conditions. ClinVar contains an entry for this variant (Variation ID: 2774614). An algorithm developed to predict the effect of missense changes on protein structure and function (PolyPhen-2) suggests that this variant is likely to be disruptive. In summary, the available evidence is currently insufficient to determine the role of this variant in disease. Therefore, it has been classified as a Variant of Uncertain Significance.

Color Diagnostics, LLC DBA Color Health
Classification: Uncertain significance for Cardiomyopathy. Last evaluated: 2022-12-05. Review status: criteria provided, single submitter. Criteria: ACMG Guidelines, 2015. Collection method: clinical testing. Allele origin: germline.
Comment: This missense variant replaces lysine with arginine at codon 193 of the TNNI3 protein. Computational prediction suggests that this variant may have deleterious impact on protein structure and function (internally defined REVEL score threshold >= 0.7, PMID: 27666373). To our knowledge, functional studies have not been reported for this variant. This variant has not been reported in individuals affected with TNNI3-related disorders in the literature. This variant has not been identified in the general population by the Genome Aggregation Database (gnomAD). The available evidence is insufficient to determine the role of this variant in disease conclusively. Therefore, this variant is classified as a Variant of Uncertain Significance.

NM_000363.5(TNNI3):c.578A>G (p.Lys193Arg)

Gene: TNNI3 (troponin I3, cardiac type; minus strand). Cytogenetic location: 19q13.42.
Variant type: single nucleotide variant.
Coding change: c.578A>G on transcript NM_000363.5 (MANE Select); coding-DNA position 578, A replaced by G.
Protein change: p.Lys193Arg; replaces lysine 193 with arginine.
Molecular consequence: missense variant.
Genome position (GRCh38, 1-based): chr19:55,151,889, T>C on the plus strand (A>G on the coding strand, the complement: TNNI3 is on the minus strand). VCF-style: chr19-55151889-T-C. GRCh37 (hg19) VCF-style: chr19-55663257-T-C.
Other names: short protein forms K193R.
Identifiers: ClinVar variation 2774614 (VCV002774614.5), dbSNP rs2515495815, ClinGen allele CA407439603.